The following is an entry in ClinVar:

ClinVar aggregate classification (germline): Pathogenic (1 of 4 stars; one submission).

Conditions:
Meckel-Gruber syndrome. Also called: DYSENCEPHALIA SPLANCHNOCYSTICA; GRUBER SYNDROME; Dysencephalia splachnocystica. Identifiers: Orphanet 564, MedGen C0265215, MONDO:0018921.
Joubert syndrome. Also called: CEREBELLOPARENCHYMAL DISORDER IV; JOUBERT-BOLTSHAUSER SYNDROME; Familial aplasia of the vermis. Identifiers: Orphanet 475, MedGen C5979921, MONDO:0018772.

Submission:

Labcorp Genetics (formerly Invitae), Labcorp
Classification: Pathogenic for Joubert syndrome; Meckel-Gruber syndrome. Last evaluated: 2023-06-13. Review status: criteria provided, single submitter. Criteria: Invitae Variant Classification Sherloc (09022015). Collection method: clinical testing. Allele origin: germline.
Comment: For these reasons, this variant has been classified as Pathogenic. This variant disrupts a region of the TMEM67 protein in which other variant(s) (p.Arg440Gln) have been determined to be pathogenic (PMID: 17377820, 17397051; Invitae). This suggests that this is a clinically significant region of the protein, and that variants that disrupt it are likely to be disease-causing. This variant has not been reported in the literature in individuals affected with TMEM67-related conditions. This variant results in the deletion of exons 13-18 and part of exon 12 (c.1156_1860+430del) of the TMEM67 gene. It is expected to disrupt RNA splicing. Variants that disrupt the donor or acceptor splice site typically lead to a loss of protein function (PMID: 16199547), and loss-of-function variants in TMEM67 are known to be pathogenic (PMID: 20232449, 23559409).

Literature cited by the submitters: PubMed 17377820; PubMed 17397051; PubMed 16199547; PubMed 20232449; PubMed 23559409.

NC_000008.10:g.(?_94797471)_(94808642_?)del

Gene: TMEM67 (transmembrane protein 67; plus strand). Cytogenetic location: 8q22.1.
Variant type: Deletion.
Identifiers: ClinVar variation 1459626 (VCV001459626.7).